The following is an entry in ClinVar:

ClinVar aggregate classification (germline): Uncertain significance (1 of 4 stars; one submission).

Conditions:
Hereditary cancer-predisposing syndrome. Also called: Neoplastic Syndromes, Hereditary; Tumor predisposition; Hereditary Cancer Syndrome; Hereditary neoplastic syndrome. Identifiers: Orphanet 140162, MedGen C0027672, MeSH D009386, MONDO:0015356.

Submission:

Ambry Genetics
Classification: Uncertain significance for Hereditary cancer-predisposing syndrome. Last evaluated: 2021-10-29. Review status: criteria provided, single submitter. Criteria: Ambry Variant Classification Scheme 2023. Collection method: clinical testing. Allele origin: germline.
Comment: The p.G58R variant (also known as c.172G>C), located in coding exon 3 of the SDHD gene, results from a G to C substitution at nucleotide position 172. The glycine at codon 58 is replaced by arginine, an amino acid with dissimilar properties. This amino acid position is not well conserved in available vertebrate species. In addition, this alteration is predicted to be deleterious by in silico analysis. Since supporting evidence is limited at this time, the clinical significance of this alteration remains unclear.

NM_003002.4(SDHD):c.172G>C (p.Gly58Arg)

Gene: SDHD (succinate dehydrogenase complex subunit D; plus strand). Cytogenetic location: 11q23.1.
Variant type: single nucleotide variant.
Coding change: c.172G>C on transcript NM_003002.4 (MANE Select); coding-DNA position 172, G replaced by C.
Protein change: p.Gly58Arg; replaces glycine 58 with arginine.
Molecular consequence: missense variant. On other transcripts: non-coding transcript variant (1), intron variant (1).
Genome position (GRCh38, 1-based): chr11:112,088,869, G>C. VCF-style: chr11-112088869-G-C. GRCh37 (hg19) VCF-style: chr11-111959593-G-C.
Other names: c.55G>C, p.Gly19Arg (NM_001276504.2); c.172G>C, p.Gly58Arg (NM_001276506.2); c.169+896G>C (NM_001276503.2); short protein forms G58R, G19R.
Identifiers: ClinVar variation 1778958 (VCV001778958.2), dbSNP rs1865684789, ClinGen allele CA382617154.